The following is an entry in ClinVar:

ClinVar aggregate classification (germline): Uncertain significance. Review status: criteria provided, multiple submitters, no conflicts (2 of 4 stars). 3 submissions from 3 submitters: Uncertain significance (3). Last evaluated 2025-04-02.

Conditions:
Hereditary cancer-predisposing syndrome. Also called: Hereditary Cancer Syndrome; Hereditary neoplastic syndrome; Neoplastic Syndromes, Hereditary; Tumor predisposition. Identifiers: Orphanet 140162, MedGen C0027672, MeSH D009386, MONDO:0015356.
Facial dysmorphism-immunodeficiency-livedo-short stature syndrome. Also called: Facial dysmorphism, immunodeficiency, livedo, and short stature; FILS syndrome. Identifiers: Orphanet 352712, MedGen C3554576, MONDO:0014058, OMIM 615139.
Colorectal cancer, susceptibility to, 12 (CRCS12). Also called: COLORECTAL CANCER, SUSCEPTIBILITY TO, ON CHROMOSOME 12q24. Identifiers: Orphanet 220460, MedGen C3554460, MONDO:0014038, OMIM 615083.
Intrauterine growth retardation, metaphyseal dysplasia, adrenal hypoplasia congenita, genital anomalies, and immunodeficiency. Also called: IMAGEI SYNDROME. Identifiers: MedGen C5193036, MONDO:0032684, OMIM 618336.

Allele frequency attached by ClinVar (database versions not stated): TOPMed below 0.00001.
gnomAD v4.1: 9 of 1,591,074 alleles (0.00057%); highest among the groups gnomAD compares: East Asian, 0.0022%; no homozygotes.

Submissions (3):

Ambry Genetics
Classification: Uncertain significance for Hereditary cancer-predisposing syndrome. Last evaluated: 2025-04-02. Review status: criteria provided, single submitter. Criteria: Ambry Variant Classification Scheme 2023. Collection method: clinical testing. Allele origin: germline.
Comment: The p.D1670N variant (also known as c.5008G>A), located in coding exon 38 of the POLE gene, results from a G to A substitution at nucleotide position 5008. The aspartic acid at codon 1670 is replaced by asparagine, an amino acid with highly similar properties. This amino acid position is highly conserved in available vertebrate species. In addition, this alteration is predicted to be tolerated by in silico analysis. Based on the available evidence, the clinical significance of this variant remains unclear.

Labcorp Genetics (formerly Invitae), Labcorp
Classification: Uncertain significance. Last evaluated: 2025-01-06. Review status: criteria provided, single submitter. Criteria: Invitae Variant Classification Sherloc (09022015). Collection method: clinical testing. Allele origin: germline.
Comment: This sequence change replaces aspartic acid, which is acidic and polar, with asparagine, which is neutral and polar, at codon 1670 of the POLE protein (p.Asp1670Asn). The frequency data for this variant in the population databases is considered unreliable, as metrics indicate poor data quality at this position in the gnomAD database. This variant has not been reported in the literature in individuals affected with POLE-related conditions. ClinVar contains an entry for this variant (Variation ID: 405721). Invitae Evidence Modeling of protein sequence and biophysical properties (such as structural, functional, and spatial information, amino acid conservation, physicochemical variation, residue mobility, and thermodynamic stability) indicates that this missense variant is expected to disrupt POLE protein function with a positive predictive value of 80%. RNA analysis performed to evaluate the impact of this missense change on mRNA splicing indicates it does not significantly alter splicing (internal data). In summary, the available evidence is currently insufficient to determine the role of this variant in disease. Therefore, it has been classified as a Variant of Uncertain Significance.

Department of Pathology and Laboratory Medicine, Sinai Health System
Classification: Uncertain significance for Colorectal cancer, susceptibility to, 12; Facial dysmorphism-immunodeficiency-livedo-short stature syndrome; Intrauterine growth retardation, metaphyseal dysplasia, adrenal hypoplasia congenita, genital anomalies, and immunodeficiency. Last evaluated: 2022-11-03. Review status: criteria provided, single submitter. Criteria: ACMG Guidelines, 2015. Collection method: clinical testing. Allele origin: germline. Affected: yes.

NM_006231.4(POLE):c.5008G>A (p.Asp1670Asn)

Gene: POLE (DNA polymerase epsilon, catalytic subunit; minus strand). Cytogenetic location: 12q24.33.
Variant type: single nucleotide variant.
Coding change: c.5008G>A on transcript NM_006231.4 (MANE Select); coding-DNA position 5008, G replaced by A.
Protein change: p.Asp1670Asn; replaces aspartic acid 1670 with asparagine.
Molecular consequence: missense variant.
Genome position (GRCh38, 1-based): chr12:132,642,342, C>T on the plus strand (G>A on the coding strand, the complement: POLE is on the minus strand). VCF-style: chr12-132642342-C-T. GRCh37 (hg19) VCF-style: chr12-133218928-C-T.
Other names: c.5008G>A (NM_006231.2); short protein forms D1670N.
Identifiers: ClinVar variation 405721 (VCV000405721.13), dbSNP rs1060500823, ClinGen allele CA16613566.
Genomic context (GRCh38, chr12:132,642,342, plus strand): 5'-CTGTAGGGGACAGCCAGAGCAGGTGGTTGTGGCGCTGGAGGTGGCGGGCAAAGAAGAGGT[C>T]GGAGCCGAATGTGGAGATGTCCTCTGGTAGGTTCCCAATGGGAATGTGAAAGTACCTGCA-3'
Protein context (NP_006222.2, residues 1660-1680): LPEDISTFGS[Asp1670Asn]LFFARHLQRH